The following is an entry in ClinVar:

ClinVar aggregate classification (germline): Likely pathogenic. Review status: criteria provided, multiple submitters, no conflicts (2 of 4 stars). 2 submissions from 2 submitters: Likely pathogenic (2). Last evaluated 2024-12-05.

Conditions:
Mucopolysaccharidosis type 6 (MPS6). Also called: ARSB DEFICIENCY; ARYLSULFATASE B DEFICIENCY; N-ACETYLGALACTOSAMINE-4-SULFATASE DEFICIENCY; MPS VI; MPS 6; Maroteaux Lamy syndrome. Identifiers: Orphanet 583, MedGen C0026709, MONDO:0009661, OMIM 253200.

gnomAD v4.1: 1 of 1,613,972 alleles (0.000062%); highest among the groups gnomAD compares: African/African-American, 0.0013%; no homozygotes.

Submissions (2):

Natera, Inc.
Classification: Likely pathogenic for Mucopolysaccharidosis type VI. Last evaluated: 2024-12-05. Review status: criteria provided, single submitter. Criteria: Natera Variant Classification Schema (03/2026). Collection method: clinical testing. Allele origin: germline.
Comment: The c.1268C>A variant in ARSB is a nonsense variant predicted to introduce a stop codon at amino acid 423. This variant is expected to result in nonsense mediated decay, truncation, or a dysfunctional protein product. This variant is rare in the general population with a frequency below the threshold expected for the associated phenotype(s). Given the available evidence, this variant is classified as Likely Pathogenic.

Fulgent Genetics
Classification: Likely pathogenic for Mucopolysaccharidosis type 6. Last evaluated: 2024-06-13. Review status: criteria provided, single submitter. Criteria: ACMG Guidelines, 2015. Collection method: clinical testing. Allele origin: germline.

NM_000046.5(ARSB):c.1268C>A (p.Ser423Ter)

Gene: ARSB (arylsulfatase B; minus strand). Cytogenetic location: 5q14.1.
Variant type: single nucleotide variant.
Coding change: c.1268C>A on transcript NM_000046.5 (MANE Select); coding-DNA position 1268, C replaced by A.
Protein change: p.Ser423Ter; replaces serine 423 with a stop codon.
Molecular consequence: nonsense.
Genome position (GRCh38, 1-based): chr5:78,781,920, G>T on the plus strand (C>A on the coding strand, the complement: ARSB is on the minus strand). VCF-style: chr5-78781920-G-T. GRCh37 (hg19) VCF-style: chr5-78077743-G-T.
Other names: c.1268C>A (NM_000046.4); short protein forms S423*.
Identifiers: ClinVar variation 3592769 (VCV003592769.2).